The following is an entry in ClinVar:

ClinVar aggregate classification (germline): Uncertain significance (1 of 4 stars; one submission).

Submission:

GeneDx
Classification: Uncertain significance. Last evaluated: 2026-03-26. Review status: criteria provided, single submitter. Criteria: GeneDx Variant Classification Process June 2021. Collection method: clinical testing. Allele origin: germline.
Comment: Not observed at significant frequency in large population cohorts (gnomAD); In silico analysis supports that this missense variant has a deleterious effect on protein structure/function; Has not been previously published as pathogenic or benign to our knowledge

NM_170606.3(KMT2C):c.3025G>C (p.Val1009Leu)

Gene: KMT2C (lysine methyltransferase 2C; minus strand). Cytogenetic location: 7q36.1.
Variant type: single nucleotide variant.
Coding change: c.3025G>C on transcript NM_170606.3 (MANE Select); coding-DNA position 3025, G replaced by C.
Protein change: p.Val1009Leu; replaces valine 1009 with leucine.
Molecular consequence: missense variant.
Genome position (GRCh38, 1-based): chr7:152,224,568, C>G on the plus strand (G>C on the coding strand, the complement: KMT2C is on the minus strand). VCF-style: chr7-152224568-C-G. GRCh37 (hg19) VCF-style: chr7-151921653-C-G.
Other names: short protein forms V1009L.
Identifiers: ClinVar variation 5017273 (VCV005017273.1).
Genomic context (GRCh38, chr7:152,224,568, plus strand): 5'-CACAGTCATCACACAGCAGGAGTCTTCCTGGGTCAGTTGCCTTCCCACAGGCCTCACACA[C>G]AGTGCACTCAAGACACCTCCAACCTTTGCTAAGAACCACTTTAGTGATCTGTAAAAGAAA-3'
Protein context (NP_733751.2, residues 999-1019): SKGWRCLECT[Val1009Leu]CEACGKATDP